The following is an entry in ClinVar:

ClinVar aggregate classification (germline): Likely pathogenic (1 of 4 stars; one submission).

Conditions:
CYP24A1-related disorder. Also called: CYP24A1-related condition.

Submission:

PreventionGenetics, part of Exact Sciences
Classification: Likely pathogenic for CYP24A1-related condition. Last evaluated: 2022-09-03. Review status: criteria provided, single submitter. Criteria: ACMG Guidelines, 2015. Collection method: clinical testing. Allele origin: germline.
Comment: The CYP24A1 c.1430_1434+11del16 variant is predicted to result in a deletion affecting a canonical splice site. To our knowledge, this variant has not been reported in the literature or in a large population database, indicating this variant is rare. Variants that impact splicing and other loss of function variants in CYP24A1 have been reported as causative (Human Gene Mutation Database, HGMD). Taken together, this variant is interpreted as likely pathogenic.

NM_000782.5(CYP24A1):c.1430_1434+11del

Gene: CYP24A1 (cytochrome P450 family 24 subfamily A member 1; minus strand). Cytogenetic location: 20q13.2.
Variant type: Deletion.
Coding change: c.1430_1434+11del on transcript NM_000782.5 (MANE Select); coding-DNA position 1430 through 11 bases into the intron after coding-DNA position 1434, 16 bases deleted (GTTGGGTAAAACCTTT).
Molecular consequence: splice donor variant. On other transcripts: intron variant (3).
Genome position (GRCh38, 1-based): chr20:54,157,377-54,157,392, AAAGGTTTTACCCAAC deleted on the plus strand (GTTGGGTAAAACCTTT on the coding strand, the reverse complement: CYP24A1 is on the minus strand); deleting any 16 consecutive bases within chr20:54,157,377-54,157,396 gives the same sequence; the c. name uses the placement nearest the transcript's 3' end. VCF-style (leftmost placement, unchanged base first): chr20-54157376-TAAAGGTTTTACCCAAC-T. GRCh37 (hg19) VCF-style: chr20-52773915-TAAAGGTTTTACCCAAC-T.
Other names: c.1237-103_1237-88del (NM_001128915.2, NM_001424343.1, NM_001424342.1); c.1430_1434+11del (NM_001424340.1, NM_001424341.1).
Identifiers: ClinVar variation 2636539 (VCV002636539.1), dbSNP rs2516345389, ClinGen allele CA2695201410.